The following is an entry in ClinVar:

ClinVar aggregate classification (germline): Benign/Likely benign. Review status: criteria provided, multiple submitters, no conflicts (2 of 4 stars). 2 submissions from 2 submitters: Benign (1); Likely benign (1). Last evaluated 2025-03-21.

Conditions:
Juvenile polyposis/hereditary hemorrhagic telangiectasia syndrome (JPHT). Also called: JP/HHT SYNDROME; JUVENILE POLYPOSIS WITH HEREDITARY HEMORRHAGIC TELANGIECTASIA; POLYPOSIS, GENERALIZED JUVENILE, WITH PULMONARY ARTERIOVENOUS MALFORMATION; TELANGIECTASIA, HEREDITARY HEMORRHAGIC, WITH JUVENILE POLYPOSIS COLI; Juvenile Polyposis Syndrome / Hereditary Hemorrhagic Telangiectasia (JPS/HHT). Identifiers: Orphanet 2929, MedGen C1832942, MONDO:0008278, OMIM 175050.
Familial thoracic aortic aneurysm and aortic dissection (TAAD). Also called: Thoracic aortic aneurysms and dissections. Identifiers: Orphanet 91387, MedGen C4707243, MONDO:0019625.
Hereditary cancer-predisposing syndrome. Also called: Neoplastic Syndromes, Hereditary; Tumor predisposition; Hereditary neoplastic syndrome; Hereditary Cancer Syndrome. Identifiers: Orphanet 140162, MedGen C0027672, MeSH D009386, MONDO:0015356.

Submissions (2):

Myriad Genetics, Inc.
Classification: Benign for Juvenile polyposis/hereditary hemorrhagic telangiectasia syndrome. Last evaluated: 2025-03-21. Review status: criteria provided, single submitter. Criteria: Myriad Autosomal Dominant, Autosomal Recessive and X-Linked Classification Criteria (2023). Collection method: clinical testing. Allele origin: unknown.
Comment: This variant is considered benign. This variant is a silent/synonymous amino acid change and it is not expected to impact splicing.

Ambry Genetics
Classification: Likely benign for Hereditary cancer-predisposing syndrome; Familial thoracic aortic aneurysm and aortic dissection. Last evaluated: 2023-01-19. Review status: criteria provided, single submitter. Criteria: Ambry Variant Classification Scheme 2023. Collection method: clinical testing. Allele origin: germline.

NM_005359.6(SMAD4):c.1104C>G (p.Ser368=)

Gene: SMAD4 (SMAD family member 4; plus strand). Cytogenetic location: 18q21.2.
Variant type: single nucleotide variant.
Coding change: c.1104C>G on transcript NM_005359.6 (MANE Select); coding-DNA position 1104, C replaced by G.
Protein change: p.Ser368=; no amino-acid change (serine 368 retained).
Molecular consequence: synonymous variant. On other transcripts: non-coding transcript variant (2).
Genome position (GRCh38, 1-based): chr18:51,065,571, C>G. VCF-style: chr18-51065571-C-G. GRCh37 (hg19) VCF-style: chr18-48591941-C-G.
Other names: c.1104C>G, p.Ser368= (NM_001407041.1, NM_001407042.1, NM_001407043.1).
Identifiers: ClinVar variation 2452519 (VCV002452519.3), dbSNP rs2144447664, ClinGen allele CA503874173.